The following is an entry in ClinVar:

ClinVar aggregate classification (germline): Uncertain significance. Review status: criteria provided, multiple submitters, no conflicts (2 of 4 stars). 2 submissions from 2 submitters: Uncertain significance (2). Last evaluated 2025-02-01.

Conditions:
Developmental and epileptic encephalopathy, 23 (DEE23). Also called: Epileptic encephalopathy, early infantile, 23. Identifiers: Orphanet 411986, MedGen C4014492, MONDO:0014371, OMIM 615859.

Allele frequency attached by ClinVar (database versions not stated): gnomAD exomes below 0.00001; gnomAD 0.00001.
gnomAD v4.1: 2 of 1,613,840 alleles (0.00012%); highest among the groups gnomAD compares: Admixed American, 0.0033%; no homozygotes.

Submissions (2):

GeneDx
Classification: Uncertain significance. Last evaluated: 2025-02-01. Review status: criteria provided, single submitter. Criteria: GeneDx Variant Classification Process June 2021. Collection method: clinical testing. Allele origin: germline. Affected: yes.
Comment: Not observed at significant frequency in large population cohorts (gnomAD); In silico analysis indicates that this missense variant does not alter protein structure/function; Has not been previously published as pathogenic or benign to our knowledge

Labcorp Genetics (formerly Invitae), Labcorp
Classification: Uncertain significance for Developmental and epileptic encephalopathy, 23. Last evaluated: 2019-09-30. Review status: criteria provided, single submitter. Criteria: Invitae Variant Classification Sherloc (09022015). Collection method: clinical testing. Allele origin: germline.
Comment: In summary, the available evidence is currently insufficient to determine the role of this variant in disease. Therefore, it has been classified as a Variant of Uncertain Significance. Algorithms developed to predict the effect of missense changes on protein structure and function (SIFT, PolyPhen-2, Align-GVGD) all suggest that this variant is likely to be tolerated, but these predictions have not been confirmed by published functional studies and their clinical significance is uncertain. This variant has not been reported in the literature in individuals with DOCK7-related conditions. This variant is not present in population databases (ExAC no frequency). This sequence change replaces asparagine with aspartic acid at codon 1172 of the DOCK7 protein (p.Asn1172Asp). The asparagine residue is moderately conserved and there is a small physicochemical difference between asparagine and aspartic acid.

NM_001367561.1(DOCK7):c.3514A>G (p.Asn1172Asp)

Gene: DOCK7 (dedicator of cytokinesis 7; minus strand). Cytogenetic location: 1p31.3.
Variant type: single nucleotide variant.
Coding change: c.3514A>G on transcript NM_001367561.1 (MANE Select); coding-DNA position 3514, A replaced by G.
Protein change: p.Asn1172Asp; replaces asparagine 1172 with aspartic acid.
Molecular consequence: missense variant.
Genome position (GRCh38, 1-based): chr1:62,535,590, T>C on the plus strand (A>G on the coding strand, the complement: DOCK7 is on the minus strand). VCF-style: chr1-62535590-T-C. GRCh37 (hg19) VCF-style: chr1-63001261-T-C.
Other names: c.3514A>G, p.Asn1172Asp (NM_001271999.2, NM_001330614.2); c.3421A>G, p.Asn1141Asp (NM_001272000.2, NM_001272001.2, NM_033407.4); short protein forms N1141D, N1172D.
Identifiers: ClinVar variation 953873 (VCV000953873.9), dbSNP rs1428094982, ClinGen allele CA340604969.